The following is an entry in ClinVar:

NM_004618.5(TOP3A):c.207G>T (p.Lys69Asn)

Gene: TOP3A (DNA topoisomerase III alpha; minus strand). Cytogenetic location: 17p11.2.
Variant type: single nucleotide variant.
Coding change: c.207G>T on transcript NM_004618.5 (MANE Select); coding-DNA position 207, G replaced by T.
Protein change: p.Lys69Asn; replaces lysine 69 with asparagine.
Molecular consequence: missense variant. On other transcripts: 5 prime UTR variant (1).
Genome position (GRCh38, 1-based): chr17:18,308,915, C>A on the plus strand (G>T on the coding strand, the complement: TOP3A is on the minus strand). VCF-style: chr17-18308915-C-A. GRCh37 (hg19) VCF-style: chr17-18212229-C-A.
Other names: c.-5G>T (NM_001320759.2); c.207G>T (NM_004618.3); short protein forms K69N.
Identifiers: ClinVar variation 1307744 (VCV001307744.3), dbSNP rs1022831619, ClinGen allele CA288459877.

ClinVar aggregate classification (germline): Uncertain significance. Review status: criteria provided, multiple submitters, no conflicts (2 of 4 stars). 2 submissions from 2 submitters: Uncertain significance (2). Last evaluated 2023-11-14.

Conditions:
Inborn genetic diseases. Identifiers: MedGen C0950123, MeSH D030342.

Allele frequency attached by ClinVar (database versions not stated): gnomAD exomes below 0.00001; gnomAD 0.00005; TOPMed 0.00010.
gnomAD v4.1: 12 of 1,560,886 alleles (0.00077%); highest among the groups gnomAD compares: Admixed American, 0.015%; no homozygotes.

Submissions (2):

Ambry Genetics
Classification: Uncertain significance for Inborn genetic diseases. Last evaluated: 2023-11-14. Review status: criteria provided, single submitter. Criteria: Ambry Variant Classification Scheme 2023. Collection method: clinical testing. Allele origin: germline.

GeneDx
Classification: Uncertain significance. Last evaluated: 2019-08-16. Review status: criteria provided, single submitter. Criteria: GeneDx Variant Classification Process June 2021. Collection method: clinical testing. Allele origin: germline. Affected: yes.
Comment: In silico analysis, which includes protein predictors and evolutionary conservation, supports a deleterious effect; Has not been previously published as pathogenic or benign to our knowledge; No data available from control populations to assess the frequency of this variant